The following is an entry in ClinVar:

NM_152594.3(SPRED1):c.714C>G (p.Ser238Arg)

Gene: SPRED1 (sprouty related EVH1 domain containing 1; plus strand). Cytogenetic location: 15q14.
Variant type: single nucleotide variant.
Coding change: c.714C>G on transcript NM_152594.3 (MANE Select); coding-DNA position 714, C replaced by G.
Protein change: p.Ser238Arg; replaces serine 238 with arginine.
Molecular consequence: missense variant.
Genome position (GRCh38, 1-based): chr15:38,351,043, C>G. VCF-style: chr15-38351043-C-G. GRCh37 (hg19) VCF-style: chr15-38643244-C-G.
Other names: short protein forms S238R.
Identifiers: ClinVar variation 3677560 (VCV003677560.2).
Genomic context (GRCh38, chr15:38,351,043, plus strand): 5'-TCATTGCAGTTTTTATCTGTTTCTTTTTTAGGTCCCTTTGAAATCAATCAGACATGTCAG[C>G]TTTCAAGATGAGGATGAGATTGTCAGAATAAACCCTCGAGATATCTTAATACGTCGCTAT-3'
Protein context (NP_689807.1, residues 228-248): RVPLKSIRHV[Ser238Arg]FQDEDEIVRI

ClinVar aggregate classification (germline): Uncertain significance (1 of 4 stars; one submission).

Conditions:
Legius syndrome. Identifiers: Orphanet 137605, MedGen C1969623, MONDO:0012669, OMIM 611431. Disease mechanism: loss of function.

Submission:

Labcorp Genetics (formerly Invitae), Labcorp
Classification: Uncertain significance for Legius syndrome. Last evaluated: 2024-02-21. Review status: criteria provided, single submitter. Criteria: Invitae Variant Classification Sherloc (09022015). Collection method: clinical testing. Allele origin: germline.
Comment: This sequence change replaces serine, which is neutral and polar, with arginine, which is basic and polar, at codon 238 of the SPRED1 protein (p.Ser238Arg). This variant is not present in population databases (gnomAD no frequency). This variant has not been reported in the literature in individuals affected with SPRED1-related conditions. Advanced modeling of protein sequence and biophysical properties (such as structural, functional, and spatial information, amino acid conservation, physicochemical variation, residue mobility, and thermodynamic stability) performed at Invitae indicates that this missense variant is not expected to disrupt SPRED1 protein function with a negative predictive value of 80%. In summary, the available evidence is currently insufficient to determine the role of this variant in disease. Therefore, it has been classified as a Variant of Uncertain Significance.